The following is an entry in ClinVar:

NM_016562.4(TLR7):c.1313A>T (p.Asp438Val)

Gene: TLR7 (toll like receptor 7; plus strand). Cytogenetic location: Xp22.2.
Variant type: single nucleotide variant.
Coding change: c.1313A>T on transcript NM_016562.4 (MANE Select); coding-DNA position 1313, A replaced by T.
Protein change: p.Asp438Val; replaces aspartic acid 438 with valine.
Molecular consequence: missense variant.
Genome position (GRCh38, 1-based): chrX:12,886,821, A>T. VCF-style: chrX-12886821-A-T. GRCh37 (hg19) VCF-style: chrX-12904940-A-T.
Other names: p.Asp438Val; c.1313A>T (NM_016562.3); short protein forms D438V.
Identifiers: ClinVar variation 2382112 (VCV002382112.9), dbSNP rs766470912, ClinGen allele CA10350008.
Genomic context (GRCh38, chrX:12,886,821, plus strand): 5'-AACAATTTAAAAGACTGAAAGTCATAGATCTTTCAGTGAATAAAATATCACCTTCAGGAG[A>T]TTCAAGTGAAGTTGGCTTCTGCTCAAATGCCAGAACTTCTGTAGAAAGTTATGAACCCCA-3'
Protein context (NP_057646.1, residues 428-448): LSVNKISPSG[Asp438Val]SSEVGFCSNA

ClinVar aggregate classification (germline): Uncertain significance. Review status: criteria provided, multiple submitters, no conflicts (2 of 4 stars). 3 submissions from 3 submitters: Uncertain significance (3). Last evaluated 2025-12-28.

Allele frequency attached by ClinVar (database versions not stated): ExAC 0.00001; gnomAD 0.00001; gnomAD exomes 0.00002; TOPMed 0.00004.
gnomAD v4.1: 9 of 1,209,119 alleles (0.00074%); highest among the groups gnomAD compares: Admixed American, 0.02%; no homozygotes.

Submissions (3):

Labcorp Genetics (formerly Invitae), Labcorp
Classification: Uncertain significance. Last evaluated: 2025-12-28. Review status: criteria provided, single submitter. Criteria: Invitae Variant Classification Sherloc (09022015). Collection method: clinical testing. Allele origin: germline.
Comment: This sequence change replaces aspartic acid, which is acidic and polar, with valine, which is neutral and non-polar, at codon 438 of the TLR7 protein (p.Asp438Val). This variant is present in population databases (rs766470912, gnomAD 0.02%). This variant has not been reported in the literature in individuals affected with TLR7-related conditions. ClinVar contains an entry for this variant (Variation ID: 2382112). An algorithm developed to predict the effect of missense changes on protein structure and function (PolyPhen-2) suggests that this variant is likely to be tolerated. In summary, the available evidence is currently insufficient to determine the role of this variant in disease. Therefore, it has been classified as a Variant of Uncertain Significance.

Mayo Clinic Laboratories, Mayo Clinic
Classification: Uncertain significance. Last evaluated: 2024-12-23. Review status: criteria provided, single submitter. Criteria: ACMG Guidelines, 2015. Collection method: clinical testing. Allele origin: germline. Observed: 1 variant allele.
Comment: BP4_moderate

Ambry Genetics
Classification: Uncertain significance. Last evaluated: 2022-08-17. Review status: criteria provided, single submitter. Criteria: Ambry Variant Classification Scheme 2023. Collection method: clinical testing. Allele origin: germline.